The following is an entry in ClinVar:

ClinVar aggregate classification (germline): Uncertain significance (1 of 4 stars; one submission).

Allele frequency attached by ClinVar (database versions not stated): ExAC 0.00001; gnomAD 0.00001; gnomAD exomes 0.00001; TOPMed 0.00002.
gnomAD v4.1: 24 of 1,613,988 alleles (0.0015%); highest among the groups gnomAD compares: Non-Finnish European, 0.0019%; no homozygotes.

Submission:

Labcorp Genetics (formerly Invitae), Labcorp
Classification: Uncertain significance. Last evaluated: 2022-03-05. Review status: criteria provided, single submitter. Criteria: Invitae Variant Classification Sherloc (09022015). Collection method: clinical testing. Allele origin: germline.
Comment: This sequence change replaces alanine, which is neutral and non-polar, with aspartic acid, which is acidic and polar, at codon 657 of the COL10A1 protein (p.Ala657Asp). In summary, the available evidence is currently insufficient to determine the role of this variant in disease. Therefore, it has been classified as a Variant of Uncertain Significance. Algorithms developed to predict the effect of missense changes on protein structure and function are either unavailable or do not agree on the potential impact of this missense change (SIFT: "Deleterious"; PolyPhen-2: "Benign"; Align-GVGD: "Class C0"). This variant has not been reported in the literature in individuals affected with COL10A1-related conditions. This variant is present in population databases (rs759542606, gnomAD 0.003%).

NM_000493.4(COL10A1):c.1970C>A (p.Ala657Asp)

Genes: COL10A1 (collagen type X alpha 1 chain; minus strand), NT5DC1 (5'-nucleotidase domain containing 1; plus strand). Cytogenetic location: 6q22.1.
Variant type: single nucleotide variant.
Coding change: c.1970C>A on transcript NM_000493.4 (MANE Select); coding-DNA position 1970, C replaced by A.
Protein change: p.Ala657Asp; replaces alanine 657 with aspartic acid.
Molecular consequence: missense variant. On other transcripts: intron variant (1).
Genome position (GRCh38, 1-based): chr6:116,120,146, G>T on the plus strand (C>A on the coding strand, the complement: COL10A1 is on the minus strand). VCF-style: chr6-116120146-G-T. GRCh37 (hg19) VCF-style: chr6-116441309-G-T.
Other names: c.1970C>A, p.Ala657Asp (NM_001424106.1, NM_001424107.1); c.529+2201G>T (NM_152729.3); short protein forms A657D.
Identifiers: ClinVar variation 1903253 (VCV001903253.5), dbSNP rs759542606, ClinGen allele CA3968085.
Genomic context (GRCh38, chr6:116,120,146, plus strand): 5'-ACTAGGAATCCTGAGAAAGAGGAGTGGACATACTCAGAGGAGTATAGGCCATTTGACTCG[G>T]CATTGGGAAGCTGGAGCCACACCTGGTCATTTTCTGTGAGATCGATGATGGCACTCCCTG-3'
Protein context (NP_000484.2, residues 647-667): NDQVWLQLPN[Ala657Asp]ESNGLYSSEY